The following is an entry in ClinVar:

ClinVar aggregate classification (germline): Conflicting classifications of pathogenicity. Review status: criteria provided, conflicting classifications (1 of 4 stars). 5 submissions from 5 submitters: Uncertain significance (4); Likely benign (1). Last evaluated 2025-08-31.

Conditions:
Hereditary nonpolyposis colorectal neoplasms. Identifiers: MedGen C0009405, MeSH D003123.
Hereditary cancer-predisposing syndrome. Also called: Hereditary neoplastic syndrome; Hereditary Cancer Syndrome; Neoplastic Syndromes, Hereditary; Tumor predisposition. Identifiers: Orphanet 140162, MedGen C0027672, MeSH D009386, MONDO:0015356.
Lynch syndrome. Identifiers: Orphanet 144, MedGen C4552100, MONDO:0005835. Disease mechanism: loss of function.
Endometrial carcinoma. Also called: Endometrial carcinoma, somatic. Identifiers: MedGen C0476089, MONDO:0002447, OMIM 608089, HP:0012114.

Allele frequency attached by ClinVar (database versions not stated): gnomAD exomes below 0.00001; TOPMed below 0.00001; gnomAD 0.00001.
gnomAD v4.1: 7 of 1,614,032 alleles (0.00043%); highest among the groups gnomAD compares: Non-Finnish European, 0.00059%; no homozygotes.

Submissions (5):

Labcorp Genetics (formerly Invitae), Labcorp
Classification: Likely benign for Hereditary nonpolyposis colorectal neoplasms. Last evaluated: 2025-08-31. Review status: criteria provided, single submitter. Criteria: Invitae Variant Classification Sherloc (09022015). Collection method: clinical testing. Allele origin: germline.

Ambry Genetics
Classification: Uncertain significance for Hereditary cancer-predisposing syndrome. Last evaluated: 2024-04-24. Review status: criteria provided, single submitter. Criteria: Ambry Variant Classification Scheme 2023. Collection method: clinical testing. Allele origin: germline.
Comment: The p.E675K variant (also known as c.2023G>A), located in coding exon 4 of the MSH6 gene, results from a G to A substitution at nucleotide position 2023. The glutamic acid at codon 675 is replaced by lysine, an amino acid with similar properties. This amino acid position is well conserved in available vertebrate species. In addition, the in silico prediction for this alteration is inconclusive. Since supporting evidence is limited at this time, the clinical significance of this alteration remains unclear.

Color Diagnostics, LLC DBA Color Health
Classification: Uncertain significance for Hereditary cancer-predisposing syndrome. Last evaluated: 2024-03-06. Review status: criteria provided, single submitter. Criteria: ACMG Guidelines, 2015. Collection method: clinical testing. Allele origin: germline.
Comment: This missense variant replaces glutamic acid with lysine at codon 675 of the MSH6 protein. Computational prediction is inconclusive regarding the impact of this variant on protein structure and function (internally defined REVEL score threshold 0.5 < inconclusive < 0.7, PMID: 27666373). To our knowledge, functional studies have not been reported for this variant. This variant has not been reported in individuals affected with MSH6-related disorders in the literature. This variant has been identified in 2/282258 chromosomes in the general population by the Genome Aggregation Database (gnomAD). The available evidence is insufficient to determine the role of this variant in disease conclusively. Therefore, this variant is classified as a Variant of Uncertain Significance.

Baylor Genetics
Classification: Uncertain significance for Endometrial carcinoma. Last evaluated: 2023-07-16. Review status: criteria provided, single submitter. Criteria: ACMG Guidelines, 2015. Collection method: clinical testing. Allele origin: unknown.

All of Us Research Program, National Institutes of Health
Classification: Uncertain significance for Lynch syndrome. Last evaluated: 2023-03-07. Review status: criteria provided, single submitter. Criteria: ACMG Guidelines, 2015. Collection method: clinical testing. Allele origin: germline. Inheritance: Autosomal dominant inheritance. Observed: 1 variant allele, 1 heterozygote.
Comment: This missense variant replaces glutamic acid with lysine at codon 675 of the MSH6 protein. Computational prediction is inconclusive regarding the impact of this variant on protein structure and function (internally defined REVEL score threshold 0.5 < inconclusive < 0.7, PMID: 27666373). To our knowledge, functional studies have not been reported for this variant. This variant has not been reported in individuals affected with MSH6-related disorders in the literature. This variant has been identified in 2/282258 chromosomes in the general population by the Genome Aggregation Database (gnomAD). The available evidence is insufficient to determine the role of this variant in disease conclusively. Therefore, this variant is classified as a Variant of Uncertain Significance.

This study involves interpretation of variants in research participants for the purpose of population health screening. Participant phenotype was not available at the time of variant classification. Additional details can be found in publication PMID: 35346344, PMCID: PMC8962531

NM_000179.3(MSH6):c.2023G>A (p.Glu675Lys)

Gene: MSH6 (mutS homolog 6; plus strand). Cytogenetic location: 2p16.3.
Variant type: single nucleotide variant.
Coding change: c.2023G>A on transcript NM_000179.3 (MANE Select); coding-DNA position 2023, G replaced by A.
Protein change: p.Glu675Lys; replaces glutamic acid 675 with lysine.
Molecular consequence: missense variant.
Genome position (GRCh38, 1-based): chr2:47,800,006, G>A. VCF-style: chr2-47800006-G-A. GRCh37 (hg19) VCF-style: chr2-48027145-G-A.
Other names: c.1633G>A, p.Glu545Lys (NM_001281492.2); c.1117G>A, p.Glu373Lys (NM_001281493.2, NM_001281494.2); short protein forms E675K, E373K, E545K.
Identifiers: ClinVar variation 237150 (VCV000237150.18), dbSNP rs878853713, ClinGen allele CA10582057.